The following is an entry in ClinVar:

NM_198506.5(LRIT3):c.1756G>A (p.Val586Met)

Gene: LRIT3 (leucine rich repeat, Ig-like and transmembrane domains 3; plus strand). Cytogenetic location: 4q25.
Variant type: single nucleotide variant.
Coding change: c.1756G>A on transcript NM_198506.5 (MANE Select); coding-DNA position 1756, G replaced by A.
Protein change: p.Val586Met; replaces valine 586 with methionine.
Molecular consequence: missense variant.
Genome position (GRCh38, 1-based): chr4:109,870,505, G>A. VCF-style: chr4-109870505-G-A. GRCh37 (hg19) VCF-style: chr4-110791661-G-A.
Other names: c.1621G>A (NM_198506.2); short protein forms V586M.
Identifiers: ClinVar variation 1015710 (VCV001015710.6), dbSNP rs754527514, ClinGen allele CA357872734.

ClinVar aggregate classification (germline): Uncertain significance. Review status: criteria provided, multiple submitters, no conflicts (2 of 4 stars). 2 submissions from 2 submitters: Uncertain significance (2). Last evaluated 2025-04-21.

Conditions:
Inborn genetic diseases. Identifiers: MedGen C0950123, MeSH D030342.

Allele frequency attached by ClinVar (database versions not stated): gnomAD 0.00001; TOPMed 0.00002.
gnomAD v4.1: 24 of 1,613,950 alleles (0.0015%); highest among the groups gnomAD compares: Admixed American, 0.005%; no homozygotes.

Submissions (2):

Labcorp Genetics (formerly Invitae), Labcorp
Classification: Uncertain significance. Last evaluated: 2025-04-21. Review status: criteria provided, single submitter. Criteria: Invitae Variant Classification Sherloc (09022015). Collection method: clinical testing. Allele origin: germline.
Comment: This sequence change replaces valine, which is neutral and non-polar, with methionine, which is neutral and non-polar, at codon 586 of the LRIT3 protein (p.Val586Met). This variant is present in population databases (no rsID available, gnomAD 0.009%). This variant has not been reported in the literature in individuals affected with LRIT3-related conditions. ClinVar contains an entry for this variant (Variation ID: 1015710). An algorithm developed to predict the effect of missense changes on protein structure and function (PolyPhen-2) suggests that this variant is likely to be disruptive. In summary, the available evidence is currently insufficient to determine the role of this variant in disease. Therefore, it has been classified as a Variant of Uncertain Significance.

Ambry Genetics
Classification: Uncertain significance for Inborn genetic diseases. Last evaluated: 2024-12-10. Review status: criteria provided, single submitter. Criteria: Ambry Variant Classification Scheme 2023. Collection method: clinical testing. Allele origin: germline.